The following is an entry in ClinVar:

NM_000179.3(MSH6):c.2421A>G (p.Glu807=)

Gene: MSH6 (mutS homolog 6; plus strand). Cytogenetic location: 2p16.3.
Variant type: single nucleotide variant.
Coding change: c.2421A>G on transcript NM_000179.3 (MANE Select); coding-DNA position 2421, A replaced by G.
Protein change: p.Glu807=; no amino-acid change (glutamic acid 807 retained).
Molecular consequence: synonymous variant. On other transcripts: non-coding transcript variant (5), intron variant (3).
Genome position (GRCh38, 1-based): chr2:47,800,404, A>G. VCF-style: chr2-47800404-A-G. GRCh37 (hg19) VCF-style: chr2-48027543-A-G.
Other names: c.2124A>G, p.Glu708= (NM_001406801.1, NM_001406805.1, NM_001406818.1 and 10 more transcripts); c.2517A>G, p.Glu839= (NM_001406802.1, NM_001406795.1); c.2343A>G, p.Glu781= (NM_001406804.1); c.1896A>G, p.Glu632= (NM_001406806.1, NM_001406807.1, NM_001406799.1); c.2421A>G, p.Glu807= (NM_001406808.1, NM_001406809.1, NM_001406796.1 and 2 more transcripts); c.1515A>G, p.Glu505= (NM_001406811.1, NM_001406812.1, NM_001406814.1 and 6 more transcripts); c.2427A>G, p.Glu809= (NM_001406813.1); c.2253A>G, p.Glu751= (NM_001406826.1); and 4 more.
Identifiers: ClinVar variation 3398915 (VCV003398915.2).

ClinVar aggregate classification (germline): Benign/Likely benign. Review status: criteria provided, multiple submitters, no conflicts (2 of 4 stars). 2 submissions from 2 submitters: Benign (1); Likely benign (1). Last evaluated 2024-12-31.

Conditions:
Hereditary cancer-predisposing syndrome. Also called: Hereditary Cancer Syndrome; Tumor predisposition; Hereditary neoplastic syndrome; Neoplastic Syndromes, Hereditary. Identifiers: Orphanet 140162, MedGen C0027672, MeSH D009386, MONDO:0015356.
Lynch syndrome 5 (LYNCH5). Also called: Hereditary non-polyposis colorectal cancer, type 5; Colorectal cancer, hereditary nonpolyposis, type 5. Identifiers: Orphanet 144, MedGen C1833477, MONDO:0013710, OMIM 614350. Disease mechanism: loss of function.

Submissions (2):

Myriad Genetics, Inc.
Classification: Benign for Lynch syndrome 5. Last evaluated: 2024-12-31. Review status: criteria provided, single submitter. Criteria: Myriad Autosomal Dominant, Autosomal Recessive and X-Linked Classification Criteria (2023). Collection method: clinical testing. Allele origin: unknown.
Comment: This variant is considered benign. This variant is a silent/synonymous amino acid change and it is not expected to impact splicing.

Ambry Genetics
Classification: Likely benign for Hereditary cancer-predisposing syndrome. Last evaluated: 2024-09-09. Review status: criteria provided, single submitter. Criteria: Ambry Variant Classification Scheme 2023. Collection method: clinical testing. Allele origin: germline.